The following is an entry in ClinVar:

ClinVar aggregate classification (germline): Uncertain significance (1 of 4 stars; one submission).

Allele frequency attached by ClinVar (database versions not stated): gnomAD 0.00001; TOPMed 0.00001.
gnomAD v4.1: 2 of 1,614,042 alleles (0.00012%); highest among the groups gnomAD compares: African/African-American, 0.0027%; no homozygotes.

Submission:

Labcorp Genetics (formerly Invitae), Labcorp
Classification: Uncertain significance. Last evaluated: 2025-07-08. Review status: criteria provided, single submitter. Criteria: Invitae Variant Classification Sherloc (09022015). Collection method: clinical testing. Allele origin: germline.
Comment: This sequence change replaces cysteine, which is neutral and slightly polar, with glycine, which is neutral and non-polar, at codon 669 of the COL9A2 protein (p.Cys669Gly). This variant is not present in population databases (gnomAD no frequency). This variant has not been reported in the literature in individuals affected with COL9A2-related conditions. ClinVar contains an entry for this variant (Variation ID: 1936508). Invitae Evidence Modeling of protein sequence and biophysical properties (such as structural, functional, and spatial information, amino acid conservation, physicochemical variation, residue mobility, and thermodynamic stability) indicates that this missense variant is not expected to disrupt COL9A2 protein function with a negative predictive value of 95%. In summary, the available evidence is currently insufficient to determine the role of this variant in disease. Therefore, it has been classified as a Variant of Uncertain Significance.

NM_001852.4(COL9A2):c.2005T>G (p.Cys669Gly)

Gene: COL9A2 (collagen type IX alpha 2 chain; minus strand). Cytogenetic location: 1p34.2.
Variant type: single nucleotide variant.
Coding change: c.2005T>G on transcript NM_001852.4 (MANE Select); coding-DNA position 2005, T replaced by G.
Protein change: p.Cys669Gly; replaces cysteine 669 with glycine.
Molecular consequence: missense variant.
Genome position (GRCh38, 1-based): chr1:40,301,247, A>C on the plus strand (T>G on the coding strand, the complement: COL9A2 is on the minus strand). VCF-style: chr1-40301247-A-C. GRCh37 (hg19) VCF-style: chr1-40766919-A-C.
Other names: short protein forms C669G.
Identifiers: ClinVar variation 1936508 (VCV001936508.5), dbSNP rs1427056301, ClinGen allele CA339873831.
Genomic context (GRCh38, chr1:40,301,247, plus strand): 5'-GCCCCTTGATGGATCCAGGCTCTGTAAGGCGGGCAGAGGCATAGGCCGAAGCTCCAAGGC[A>C]GGCGGCAGGTTCACAGAAGCCCGGCAGCCCCACGGGGCCTGGCAGGCCAGGTCGACCTGC-3'
Protein context (NP_001843.1, residues 659-679): GLPGFCEPAA[Cys669Gly]LGASAYASAR